The following is an entry in ClinVar:

ClinVar aggregate classification (germline): Uncertain significance (1 of 4 stars; one submission).

gnomAD v4.1: 1 of 1,606,834 alleles (0.000062%); highest among the groups gnomAD compares: East Asian, 0.0022%; no homozygotes.

Submission:

GeneDx
Classification: Uncertain significance. Last evaluated: 2024-02-20. Review status: criteria provided, single submitter. Criteria: GeneDx Variant Classification Process June 2021. Collection method: clinical testing. Allele origin: germline. Affected: yes.
Comment: Not observed at significant frequency in large population cohorts (gnomAD); In silico analysis supports that this missense variant does not alter protein structure/function; Has not been previously published as pathogenic or benign to our knowledge

NM_020937.4(FANCM):c.3742C>T (p.His1248Tyr)

Gene: FANCM (FA complementation group M; plus strand). Cytogenetic location: 14q21.2.
Variant type: single nucleotide variant.
Coding change: c.3742C>T on transcript NM_020937.4 (MANE Select); coding-DNA position 3742, C replaced by T.
Protein change: p.His1248Tyr; replaces histidine 1248 with tyrosine.
Molecular consequence: missense variant.
Genome position (GRCh38, 1-based): chr14:45,176,496, C>T. VCF-style: chr14-45176496-C-T. GRCh37 (hg19) VCF-style: chr14-45645699-C-T.
Other names: c.3664C>T, p.His1222Tyr (NM_001308133.2); short protein forms H1222Y, H1248Y.
Identifiers: ClinVar variation 3369461 (VCV003369461.1).